The following is an entry in ClinVar:

ClinVar aggregate classification (germline): Uncertain significance. Review status: criteria provided, multiple submitters, no conflicts (2 of 4 stars). 2 submissions from 2 submitters: Uncertain significance (2). Last evaluated 2025-10-25.

Conditions:
Hereditary cancer-predisposing syndrome. Also called: Tumor predisposition; Hereditary neoplastic syndrome; Hereditary Cancer Syndrome; Neoplastic Syndromes, Hereditary. Identifiers: Orphanet 140162, MedGen C0027672, MeSH D009386, MONDO:0015356.
Hereditary nonpolyposis colorectal neoplasms. Identifiers: MedGen C0009405, MeSH D003123.

gnomAD v4.1: 1 of 1,614,186 alleles (0.000062%); no homozygotes.

Submissions (2):

Ambry Genetics
Classification: Uncertain significance for Hereditary cancer-predisposing syndrome. Last evaluated: 2025-10-25. Review status: criteria provided, single submitter. Criteria: Ambry Variant Classification Scheme 2023. Collection method: clinical testing. Allele origin: germline.
Comment: The p.H382P variant (also known as c.1145A>C), located in coding exon 4 of the MSH6 gene, results from an A to C substitution at nucleotide position 1145. The histidine at codon 382 is replaced by proline, an amino acid with similar properties. This amino acid position is conserved. In addition, this alteration is predicted to be tolerated by in silico analysis. Based on the available evidence, the clinical significance of this variant remains unclear.

Labcorp Genetics (formerly Invitae), Labcorp
Classification: Uncertain significance for Hereditary nonpolyposis colorectal neoplasms. Last evaluated: 2024-03-16. Review status: criteria provided, single submitter. Criteria: Invitae Variant Classification Sherloc (09022015). Collection method: clinical testing. Allele origin: germline.
Comment: This sequence change replaces histidine, which is basic and polar, with proline, which is neutral and non-polar, at codon 382 of the MSH6 protein (p.His382Pro). This variant is not present in population databases (gnomAD no frequency). This variant has not been reported in the literature in individuals affected with MSH6-related conditions. ClinVar contains an entry for this variant (Variation ID: 575478). Advanced modeling of protein sequence and biophysical properties (such as structural, functional, and spatial information, amino acid conservation, physicochemical variation, residue mobility, and thermodynamic stability) performed at Invitae indicates that this missense variant is not expected to disrupt MSH6 protein function with a negative predictive value of 95%. In summary, the available evidence is currently insufficient to determine the role of this variant in disease. Therefore, it has been classified as a Variant of Uncertain Significance.

NM_000179.3(MSH6):c.1145A>C (p.His382Pro)

Gene: MSH6 (mutS homolog 6; plus strand). Cytogenetic location: 2p16.3.
Variant type: single nucleotide variant.
Coding change: c.1145A>C on transcript NM_000179.3 (MANE Select); coding-DNA position 1145, A replaced by C.
Protein change: p.His382Pro; replaces histidine 382 with proline.
Molecular consequence: missense variant.
Genome position (GRCh38, 1-based): chr2:47,799,128, A>C. VCF-style: chr2-47799128-A-C. GRCh37 (hg19) VCF-style: chr2-48026267-A-C.
Other names: c.755A>C, p.His252Pro (NM_001281492.2); c.239A>C, p.His80Pro (NM_001281493.2, NM_001281494.2); short protein forms H382P, H80P, H252P.
Identifiers: ClinVar variation 575478 (VCV000575478.10), dbSNP rs1558660701, ClinGen allele CA346742169.